The following is an entry in ClinVar:

ClinVar aggregate classification (germline): Uncertain significance. Review status: criteria provided, multiple submitters, no conflicts (2 of 4 stars). 2 submissions from 2 submitters: Uncertain significance (2). Last evaluated 2023-11-27.

Conditions:
Inborn genetic diseases. Identifiers: MedGen C0950123, MeSH D030342.

Allele frequency attached by ClinVar (database versions not stated): gnomAD exomes below 0.00001; TOPMed below 0.00001; ExAC 0.00001; gnomAD 0.00001.
gnomAD v4.1: 3 of 1,609,894 alleles (0.00019%); highest among the groups gnomAD compares: Non-Finnish European, 0.00025%; no homozygotes.

Submissions (2):

Ambry Genetics
Classification: Uncertain significance for Inborn genetic diseases. Last evaluated: 2023-11-27. Review status: criteria provided, single submitter. Criteria: Ambry Variant Classification Scheme 2023. Collection method: clinical testing. Allele origin: germline.
Comment: The c.1238+3A>G intronic alteration consists of a A to G substitution nucleotides after coding exon 8 in the ASNS gene. Based on insufficient or conflicting evidence, the clinical significance of this alteration remains unclear.

Labcorp Genetics (formerly Invitae), Labcorp
Classification: Uncertain significance. Last evaluated: 2021-05-06. Review status: criteria provided, single submitter. Criteria: Invitae Variant Classification Sherloc (09022015). Collection method: clinical testing. Allele origin: germline.
Comment: This sequence change falls in intron 10 of the ASNS gene. It does not directly change the encoded amino acid sequence of the ASNS protein. It affects a nucleotide within the consensus splice site of the intron. This variant is present in population databases (rs758378357, ExAC 0.002%). This variant has not been reported in the literature in individuals with ASNS-related conditions. Nucleotide substitutions within the consensus splice site are a relatively common cause of aberrant splicing (PMID: 17576681, 9536098). Algorithms developed to predict the effect of sequence changes on RNA splicing suggest that this variant may disrupt the consensus splice site, but this prediction has not been confirmed by published transcriptional studies. In summary, the available evidence is currently insufficient to determine the role of this variant in disease. Therefore, it has been classified as a Variant of Uncertain Significance.

Literature cited by the submitters: PubMed 17576681 (cited by Labcorp Genetics (formerly Invitae), Labcorp); PubMed 9536098 (cited by Labcorp Genetics (formerly Invitae), Labcorp).

NM_001673.5(ASNS):c.1238+3A>G

Genes: ASNS (asparagine synthetase (glutamine-hydrolyzing); minus strand), CZ1P-ASNS (CZ1P-ASNS readthrough; minus strand). Cytogenetic location: 7q21.3.
Variant type: single nucleotide variant.
Coding change: c.1238+3A>G on transcript NM_001673.5 (MANE Select); 3 bases into the intron after coding-DNA position 1238, A replaced by G.
Molecular consequence: intron variant.
Genome position (GRCh38, 1-based): chr7:97,854,577, T>C on the plus strand (A>G on the coding strand, the complement: ASNS is on the minus strand). VCF-style: chr7-97854577-T-C. GRCh37 (hg19) VCF-style: chr7-97483889-T-C.
Other names: c.1238+3A>G (NM_001352496.2, NM_183356.4, NM_133436.3); c.989+3A>G (NM_001178076.2, NM_001178077.1); c.1175+3A>G (NM_001178075.2).
Identifiers: ClinVar variation 1425733 (VCV001425733.4), dbSNP rs758378357, ClinGen allele CA4354560.